The following is an entry in ClinVar:

ClinVar aggregate classification (germline): Uncertain significance. Review status: criteria provided, multiple submitters, no conflicts (2 of 4 stars). 2 submissions from 2 submitters: Uncertain significance (2). Last evaluated 2025-08-15.

Conditions:
Familial cancer of breast. Also called: BREAST CANCER, FAMILIAL; Hereditary breast cancer; hereditary breast carcinoma. Identifiers: Orphanet 227535, MedGen C0346153, MONDO:0016419, OMIM 114480. Disease mechanism: loss of function.
Fanconi anemia complementation group J. Also called: BRIP1-Related Fanconi Anemia. Identifiers: Orphanet 84, MedGen C1836860, MONDO:0012187, OMIM 609054.
Hereditary cancer-predisposing syndrome. Also called: Neoplastic Syndromes, Hereditary; Tumor predisposition; Hereditary neoplastic syndrome; Hereditary Cancer Syndrome. Identifiers: Orphanet 140162, MedGen C0027672, MeSH D009386, MONDO:0015356.

Allele frequency attached by ClinVar (database versions not stated): gnomAD exomes below 0.00001; TOPMed below 0.00001; ExAC 0.00001.
gnomAD v4.1: 7 of 1,613,954 alleles (0.00043%); highest among the groups gnomAD compares: Non-Finnish European, 0.00051%; no homozygotes.

Submissions (2):

Ambry Genetics
Classification: Uncertain significance for Hereditary cancer-predisposing syndrome. Last evaluated: 2025-08-15. Review status: criteria provided, single submitter. Criteria: Ambry Variant Classification Scheme 2023. Collection method: clinical testing. Allele origin: germline.
Comment: The p.P655S variant (also known as c.1963C>T), located in coding exon 13 of the BRIP1 gene, results from a C to T substitution at nucleotide position 1963. The proline at codon 655 is replaced by serine, an amino acid with similar properties. This amino acid position is highly conserved in available vertebrate species. In addition, the in silico prediction for this alteration is inconclusive. Since supporting evidence is limited at this time, the clinical significance of this alteration remains unclear.

Labcorp Genetics (formerly Invitae), Labcorp
Classification: Uncertain significance for Familial cancer of breast; Fanconi anemia complementation group J. Last evaluated: 2023-09-26. Review status: criteria provided, single submitter. Criteria: Invitae Variant Classification Sherloc (09022015). Collection method: clinical testing. Allele origin: germline.
Comment: ClinVar contains an entry for this variant (Variation ID: 241636). This sequence change replaces proline, which is neutral and non-polar, with serine, which is neutral and polar, at codon 655 of the BRIP1 protein (p.Pro655Ser). This variant is not present in population databases (gnomAD no frequency). This variant has not been reported in the literature in individuals affected with BRIP1-related conditions. Advanced modeling of protein sequence and biophysical properties (such as structural, functional, and spatial information, amino acid conservation, physicochemical variation, residue mobility, and thermodynamic stability) performed at Invitae indicates that this missense variant is expected to disrupt BRIP1 protein function. In summary, the available evidence is currently insufficient to determine the role of this variant in disease. Therefore, it has been classified as a Variant of Uncertain Significance.

NM_032043.3(BRIP1):c.1963C>T (p.Pro655Ser)

Gene: BRIP1 (BRCA1 interacting DNA helicase 1; minus strand). Cytogenetic location: 17q23.2.
Variant type: single nucleotide variant.
Coding change: c.1963C>T on transcript NM_032043.3 (MANE Select); coding-DNA position 1963, C replaced by T.
Protein change: p.Pro655Ser; replaces proline 655 with serine.
Molecular consequence: missense variant.
Genome position (GRCh38, 1-based): chr17:61,776,535, G>A on the plus strand (C>T on the coding strand, the complement: BRIP1 is on the minus strand). VCF-style: chr17-61776535-G-A. GRCh37 (hg19) VCF-style: chr17-59853896-G-A.
Other names: short protein forms P655S.
Identifiers: ClinVar variation 241636 (VCV000241636.17), dbSNP rs753036322, ClinGen allele CA8690612.